The following is an entry in ClinVar:

NM_017802.4(DNAAF5):c.308dup (p.Leu104fs)

Genes: DNAAF5 (dynein axonemal assembly factor 5; plus strand), PRKAR1B (protein kinase cAMP-dependent type I regulatory subunit beta; minus strand). Cytogenetic location: 7p22.3.
Variant type: Duplication.
Coding change: c.308dup on transcript NM_017802.4 (MANE Select); coding-DNA position 308, one base duplicated (G; older notation c.308dupG).
Protein change: p.Leu104fs; shifts the reading frame from leucine 104.
Molecular consequence: frameshift variant. On other transcripts: non-coding transcript variant (1), intron variant (3).
Genome position (GRCh38, 1-based): chr7:727,028, G duplicated; the last of 3 consecutive G bases (chr7:727,026-727,028); duplicating any one gives the same sequence. VCF-style (leftmost placement, unchanged base first): chr7-727025-T-TG. GRCh37 (hg19) VCF-style: chr7-766662-T-TG.
Other names: c.-23+629dup (NM_001164759.1); c.-23+564dup (NM_001164758.2); c.-23+184dup (NM_001164760.2); short protein forms L104fs.
Identifiers: ClinVar variation 4708565 (VCV004708565.1).

ClinVar aggregate classification (germline): Pathogenic (1 of 4 stars; one submission).

Conditions:
Primary ciliary dyskinesia. Also called: Ciliary dyskinesia. Identifiers: Orphanet 244, MedGen C0008780, MONDO:0016575, HP:0012265.

Submission:

Labcorp Genetics (formerly Invitae), Labcorp
Classification: Pathogenic for Primary ciliary dyskinesia. Last evaluated: 2025-07-06. Review status: criteria provided, single submitter. Criteria: Invitae Variant Classification Sherloc (09022015). Collection method: clinical testing. Allele origin: germline.
Comment: This sequence change creates a premature translational stop signal (p.Leu104Profs*36) in the DNAAF5 gene. It is expected to result in an absent or disrupted protein product. Loss-of-function variants in DNAAF5 are known to be pathogenic (PMID: 24307375, 25232951). The frequency data for this variant in the population databases is considered unreliable, as metrics indicate insufficient coverage at this position in the gnomAD database. This variant has not been reported in the literature in individuals affected with DNAAF5-related conditions. For these reasons, this variant has been classified as Pathogenic.

Literature cited by the submitters: PubMed 24307375; PubMed 25232951.